The following is an entry in ClinVar:

NM_001040142.2(SCN2A):c.5603A>G (p.Glu1868Gly)

Gene: SCN2A (sodium voltage-gated channel alpha subunit 2; plus strand). Cytogenetic location: 2q24.3.
Variant type: single nucleotide variant.
Coding change: c.5603A>G on transcript NM_001040142.2 (MANE Select); coding-DNA position 5603, A replaced by G.
Protein change: p.Glu1868Gly; replaces glutamic acid 1868 with glycine.
Molecular consequence: missense variant.
Genome position (GRCh38, 1-based): chr2:165,389,409, A>G. VCF-style: chr2-165389409-A-G. GRCh37 (hg19) VCF-style: chr2-166245919-A-G.
Other names: c.5603A>G, p.Glu1868Gly (NM_001040143.2, NM_001371246.1, NM_001371247.1 and 1 more transcripts); short protein forms E1868G.
Identifiers: ClinVar variation 533489 (VCV000533489.11), dbSNP rs1553463750, ClinGen allele CA349039497.

ClinVar aggregate classification (germline): Uncertain significance (1 of 4 stars; one submission).

Conditions:
Developmental and epileptic encephalopathy, 11 (DEE11). Also called: Early infantile epileptic encephalopathy 11. Identifiers: Orphanet 1934, MedGen C3150987, MONDO:0013388, OMIM 613721.
Seizures, benign familial infantile, 3 (BFIS3). Also called: CONVULSIONS, BENIGN FAMILIAL INFANTILE, 3; Familial neonatal seizures. Identifiers: Orphanet 140927, Orphanet 306, MedGen C1843140, MONDO:0011904, OMIM 607745.

Submission:

Labcorp Genetics (formerly Invitae), Labcorp
Classification: Uncertain significance for Seizures, benign familial infantile, 3; Developmental and epileptic encephalopathy, 11. Last evaluated: 2019-03-28. Review status: criteria provided, single submitter. Criteria: Invitae Variant Classification Sherloc (09022015). Collection method: clinical testing. Allele origin: germline.
Comment: This sequence change replaces glutamic acid with glycine at codon 1868 of the SCN2A protein (p.Glu1868Gly). The glutamic acid residue is highly conserved and there is a moderate physicochemical difference between glutamic acid and glycine. In summary, the available evidence is currently insufficient to determine the role of this variant in disease. Therefore, it has been classified as a Variant of Uncertain Significance. Algorithms developed to predict the effect of missense changes on protein structure and function (SIFT, PolyPhen-2, Align-GVGD) all suggest that this variant is likely to be disruptive, but these predictions have not been confirmed by published functional studies and their clinical significance is uncertain. This variant has not been reported in the literature in individuals with SCN2A-related disease. This variant is not present in population databases (ExAC no frequency).